The following is an entry in ClinVar:

NM_022489.4(INF2):c.787T>G (p.Ser263Ala)

Gene: INF2 (inverted formin 2; plus strand). Cytogenetic location: 14q32.33.
Variant type: single nucleotide variant.
Coding change: c.787T>G on transcript NM_022489.4 (MANE Select); coding-DNA position 787, T replaced by G.
Protein change: p.Ser263Ala; replaces serine 263 with alanine.
Molecular consequence: missense variant.
Genome position (GRCh38, 1-based): chr14:104,706,120, T>G. VCF-style: chr14-104706120-T-G. GRCh37 (hg19) VCF-style: chr14-105172457-T-G.
Other names: c.787T>G, p.Ser263Ala (NM_001031714.4); short protein forms S263A.
Identifiers: ClinVar variation 642302 (VCV000642302.12), dbSNP rs1364540701, ClinGen allele CA391214057.

ClinVar aggregate classification (germline): Conflicting classifications of pathogenicity. Review status: criteria provided, conflicting classifications (1 of 4 stars). 2 submissions from 2 submitters: Uncertain significance (1); Likely benign (1). Last evaluated 2024-09-19.

Conditions:
Inborn genetic diseases. Identifiers: MedGen C0950123, MeSH D030342.
Focal segmental glomerulosclerosis 5 (FSGS5). Identifiers: Orphanet 656, MedGen C2750475, MONDO:0013191, OMIM 613237.
Charcot-Marie-Tooth disease dominant intermediate E. Also called: CHARCOT-MARIE-TOOTH NEUROPATHY WITH FOCAL SEGMENTAL GLOMERULONEPHRITIS. Identifiers: Orphanet 93114, MedGen C4302667, MONDO:0013758, OMIM 614455.

Allele frequency attached by ClinVar (database versions not stated): gnomAD 0.00001; gnomAD exomes 0.00001; TOPMed 0.00001.
gnomAD v4.1: 5 of 1,610,304 alleles (0.00031%); highest among the groups gnomAD compares: Non-Finnish European, 0.00042%; no homozygotes.

Submissions (2):

Labcorp Genetics (formerly Invitae), Labcorp
Classification: Likely benign for Charcot-Marie-Tooth disease dominant intermediate E; Focal segmental glomerulosclerosis 5. Last evaluated: 2024-09-19. Review status: criteria provided, single submitter. Criteria: Invitae Variant Classification Sherloc (09022015). Collection method: clinical testing. Allele origin: germline.

Ambry Genetics
Classification: Uncertain significance for Inborn genetic diseases. Last evaluated: 2021-12-07. Review status: criteria provided, single submitter. Criteria: Ambry Variant Classification Scheme 2023. Collection method: clinical testing. Allele origin: germline.
Comment: The p.S263A variant (also known as c.787T>G), located in coding exon 5 of the INF2 gene, results from a T to G substitution at nucleotide position 787. The serine at codon 263 is replaced by alanine, an amino acid with similar properties. This alteration was detected in the heterozygous state in an individual with early-onset steroid-resistant nephrotic syndrome and the individual's unaffected parent (Weber S et al. Pediatr Nephrol, 2016 Jan;31:73-81). This amino acid position is poorly conserved in available vertebrate species. In addition, this alteration is predicted to be tolerated by in silico analysis. Since supporting evidence is limited at this time, the clinical significance of this alteration remains unclear.

Literature cited by the submitters: PubMed 26248470 (cited by Ambry Genetics).